The following is an entry in ClinVar:

NM_177438.3(DICER1):c.*2693A>G

Gene: DICER1 (dicer 1, ribonuclease III; minus strand). Cytogenetic location: 14q32.13.
Variant type: single nucleotide variant.
Coding change: c.*2693A>G on transcript NM_177438.3 (MANE Select); 2693 bases downstream of the stop codon, A replaced by G.
Molecular consequence: 3 prime UTR variant.
Genome position (GRCh38, 1-based): chr14:95,087,805, T>C on the plus strand (A>G on the coding strand, the complement: DICER1 is on the minus strand). VCF-style: chr14-95087805-T-C. GRCh37 (hg19) VCF-style: chr14-95554142-T-C.
Other names: c.*2809A>G (NM_001195573.1); c.*2693A>G (NM_001271282.3, NM_001291628.2, NM_030621.4).
Identifiers: ClinVar variation 315063 (VCV000315063.16), dbSNP rs1057035, ClinGen allele CA10641382.

ClinVar aggregate classification (germline): Benign. Review status: criteria provided, multiple submitters, no conflicts (2 of 4 stars). 3 submissions from 3 submitters: Benign (3). Last evaluated 2026-02-02.

Conditions:
DICER1-related tumor predisposition. Also called: DICER1-related pleuropulmonary blastoma cancer predisposition syndrome; DICER1 syndrome. Identifiers: Orphanet 284343, MedGen C3839822, MONDO:0100216.

Allele frequency attached by ClinVar (database versions not stated): 1000 Genomes Project 30x 0.17146; 1000 Genomes Project 0.17232; gnomAD 0.25588 and 0.26149; TOPMed 0.25624; gnomAD exomes 0.29720.
gnomAD v4.1: 63,250 of 233,052 alleles (27%); highest among the groups gnomAD compares: Non-Finnish European, 36%; 10,371 homozygotes.

Submissions (3):

Labcorp Genetics (formerly Invitae), Labcorp
Classification: Benign for DICER1-related tumor predisposition. Last evaluated: 2026-02-02. Review status: criteria provided, single submitter. Criteria: Invitae Variant Classification Sherloc (09022015). Collection method: clinical testing. Allele origin: germline.

Illumina Laboratory Services, Illumina
Classification: Benign for Pleuropulmonary blastoma. Last evaluated: 2018-01-12. Review status: criteria provided, single submitter. Criteria: ICSL Variant Classification Criteria 13 December 2019. Collection method: clinical testing. Allele origin: germline.
Comment: This variant was observed in the ICSL laboratory as part of a predisposition screen in an ostensibly healthy population. It had not been previously curated by ICSL or reported in the Human Gene Mutation Database (HGMD: prior to June 1st, 2018), and was therefore a candidate for classification through an automated scoring system. Utilizing variant allele frequency, disease prevalence and penetrance estimates, and inheritance mode, an automated score was calculated to assess if this variant is too frequent to cause the disease. Based on the score and internal cut-off values, a variant classified as benign is not then subjected to further curation. The score for this variant resulted in a classification of benign for this disease.

Breakthrough Genomics
Classification: Benign. Review status: criteria provided, single submitter. Criteria: ACMG Guidelines, 2015. Collection method: not provided. Allele origin: germline. Inheritance: Autosomal dominant inheritance. Affected: yes.